The following is an entry in ClinVar:

NM_000188.3(HK1):c.375+1G>T

Gene: HK1 (hexokinase 1; plus strand). Cytogenetic location: 10q22.1.
Variant type: single nucleotide variant.
Coding change: c.375+1G>T on transcript NM_000188.3 (MANE Select); the canonical splice donor site of the intron after coding-DNA position 375, G replaced by T.
Molecular consequence: splice donor variant. On other transcripts: intron variant (2).
Genome position (GRCh38, 1-based): chr10:69,360,046, G>T. VCF-style: chr10-69360046-G-T. GRCh37 (hg19) VCF-style: chr10-71119802-G-T.
Other names: c.339+1G>T (NM_033500.2); c.480+1G>T (NM_001322365.2); c.387+1G>T (NM_033498.3, NM_033497.3, NM_001322364.2 and 1 more transcripts); c.372+1G>T (NM_033496.3); c.291+1G>T (NM_001322366.1, NM_001441143.1); c.-362+1G>T (NM_001441152.1); c.-638+1G>T (NM_001441153.1); c.375+1G>T (NM_001441141.1, NM_001441148.1, NM_001441146.1 and 5 more transcripts); and 5 more.
Identifiers: ClinVar variation 4082855 (VCV004082855.1).

ClinVar aggregate classification (germline): Uncertain significance (1 of 4 stars; one submission).

Submission:

GeneDx
Classification: Uncertain significance. Last evaluated: 2025-03-06. Review status: criteria provided, single submitter. Criteria: GeneDx Variant Classification Process June 2021. Collection method: clinical testing. Allele origin: germline. Affected: yes.
Comment: Not observed at significant frequency in large population cohorts (gnomAD); Canonical splice site variant in a gene or region of a gene for which loss of function is not a well-established mechanism of disease; Has not been previously published as pathogenic or benign to our knowledge